The following is an entry in ClinVar:

NM_015295.3(SMCHD1):c.2025G>A (p.Glu675=)

Gene: SMCHD1 (structural maintenance of chromosomes flexible hinge domain containing 1; plus strand). Cytogenetic location: 18p11.32.
Variant type: single nucleotide variant.
Coding change: c.2025G>A on transcript NM_015295.3 (MANE Select); coding-DNA position 2025, G replaced by A.
Protein change: p.Glu675=; no amino-acid change (glutamic acid 675 retained).
Molecular consequence: synonymous variant.
Genome position (GRCh38, 1-based): chr18:2,706,432, G>A. VCF-style: chr18-2706432-G-A. GRCh37 (hg19) VCF-style: chr18-2706430-G-A.
Other names: c.2025G>A (NM_015295.2).
Identifiers: ClinVar variation 502382 (VCV000502382.14), dbSNP rs766575963, ClinGen allele CA8870859.

ClinVar aggregate classification (germline): Conflicting classifications of pathogenicity. Review status: criteria provided, conflicting classifications (1 of 4 stars). 3 submissions from 3 submitters: Uncertain significance (1); Likely benign (1). 1 of the submissions does not count toward it. Last evaluated 2025-12-01.

Conditions:
SMCHD1-related disorder. Also called: SMCHD1-related condition.
Facioscapulohumeral muscular dystrophy 2 (FSHD2). Also called: FACIOSCAPULOHUMERAL MUSCULAR DYSTROPHY 2, DIGENIC; FSHD2, DIGENIC; MUSCULAR DYSTROPHY, FACIOSCAPULOHUMERAL, TYPE 1B. Identifiers: Orphanet 269, MedGen C1834671, MONDO:0008031, OMIM 158901.

Allele frequency attached by ClinVar (database versions not stated): ExAC 0.00002; gnomAD exomes 0.00003 and 0.00005; gnomAD 0.00009 and 0.00012; TOPMed 0.00016.
gnomAD v4.1: 61 of 1,591,970 alleles (0.0038%); highest among the groups gnomAD compares: Admixed American, 0.035%; no homozygotes.

Submissions (3):

Labcorp Genetics (formerly Invitae), Labcorp
Classification: Likely benign for Facioscapulohumeral muscular dystrophy 2. Last evaluated: 2025-12-01. Review status: criteria provided, single submitter. Criteria: Invitae Variant Classification Sherloc (09022015). Collection method: clinical testing. Allele origin: germline.

Eurofins Ntd Llc (ga)
Classification: Uncertain significance. Last evaluated: 2017-06-05. Review status: criteria provided, single submitter. Criteria: EGL Classification Definitions 2015. Collection method: clinical testing. Allele origin: germline. Observed: 1 variant allele, 1 heterozygote.

PreventionGenetics, part of Exact Sciences
Classification: Likely benign for SMCHD1-related condition. Last evaluated: 2022-12-15. Review status: no assertion criteria provided. Collection method: clinical testing. Allele origin: germline. Not counted in ClinVar's aggregate classification.
Comment: This variant is classified as likely benign based on ACMG/AMP sequence variant interpretation guidelines (Richards et al. 2015 PMID: 25741868, with internal and published modifications).